The following is an entry in ClinVar:

NM_001042492.3(NF1):c.4868T>G (p.Leu1623Arg)

Gene: NF1 (neurofibromin 1; plus strand). Cytogenetic location: 17q11.2.
Variant type: single nucleotide variant.
Coding change: c.4868T>G on transcript NM_001042492.3 (MANE Select); coding-DNA position 4868, T replaced by G.
Protein change: p.Leu1623Arg; replaces leucine 1623 with arginine.
Molecular consequence: missense variant.
Genome position (GRCh38, 1-based): chr17:31,325,852, T>G. VCF-style: chr17-31325852-T-G. GRCh37 (hg19) VCF-style: chr17-29652870-T-G.
Other names: c.4805T>G, p.Leu1602Arg (NM_000267.4); short protein forms L1602R, L1623R.
Identifiers: ClinVar variation 2736553 (VCV002736553.3), dbSNP rs2151537585, ClinGen allele CA399006994.

ClinVar aggregate classification (germline): Uncertain significance (1 of 4 stars; one submission).

Conditions:
Neurofibromatosis, type 1 (NF1). Also called: Neurofibromatosis, type I; Peripheral type neurofibromatosis; VON RECKLINGHAUSEN DISEASE; NEUROFIBROMATOSIS, TYPE I, SOMATIC. Identifiers: Orphanet 636, MedGen C0027831, MONDO:0018975, OMIM 162200. Disease mechanism: loss of function.

Submission:

Labcorp Genetics (formerly Invitae), Labcorp
Classification: Uncertain significance for Neurofibromatosis, type 1. Last evaluated: 2023-12-31. Review status: criteria provided, single submitter. Criteria: Invitae Variant Classification Sherloc (09022015). Collection method: clinical testing. Allele origin: germline.
Comment: This sequence change replaces leucine, which is neutral and non-polar, with arginine, which is basic and polar, at codon 1602 of the NF1 protein (p.Leu1602Arg). This variant is not present in population databases (gnomAD no frequency). This missense change has been observed in individual(s) with neurofibromatosis type 1 (PMID: 18546366). Advanced modeling of protein sequence and biophysical properties (such as structural, functional, and spatial information, amino acid conservation, physicochemical variation, residue mobility, and thermodynamic stability) performed at Invitae indicates that this missense variant is expected to disrupt NF1 protein function with a positive predictive value of 95%. This variant disrupts the Leu1602 amino acid residue in NF1. Other variant(s) that disrupt this residue have been determined to be pathogenic (PMID: 27322474). This suggests that this residue is clinically significant, and that variants that disrupt this residue are likely to be disease-causing. In summary, the available evidence is currently insufficient to determine the role of this variant in disease. Therefore, it has been classified as a Variant of Uncertain Significance.

Literature cited by the submitters: PubMed 18546366; PubMed 27322474.